The following is an entry in ClinVar:

NM_001035.3(RYR2):c.9598A>G (p.Asn3200Asp)

Gene: RYR2 (ryanodine receptor 2; plus strand). Cytogenetic location: 1q43.
Variant type: single nucleotide variant.
Coding change: c.9598A>G on transcript NM_001035.3 (MANE Select); coding-DNA position 9598, A replaced by G.
Protein change: p.Asn3200Asp; replaces asparagine 3200 with aspartic acid.
Molecular consequence: missense variant.
Genome position (GRCh38, 1-based): chr1:237,706,966, A>G. VCF-style: chr1-237706966-A-G. GRCh37 (hg19) VCF-style: chr1-237870266-A-G.
Other names: short protein forms N3200D.
Identifiers: ClinVar variation 925094 (VCV000925094.4), dbSNP rs769276954, ClinGen allele CA087932.
Genomic context (GRCh38, chr1:237,706,966, plus strand): 5'-TACTTTCTTTGAATATCATCCATTTTTATATGTACTTCTCCAGCTCTCAGTTTGCCAACT[A>G]ATGTGGAAGATGTTTGTCCAAACATACCGTCTTTGGAGAAACTCATGGAAGAAATCGTGG-3'
Protein context (NP_001026.2, residues 3190-3210): RERAALSLPT[Asn3200Asp]VEDVCPNIPS

ClinVar aggregate classification (germline): Uncertain significance (1 of 4 stars; one submission).

Conditions:
Cardiomyopathy (CMYO). Also called: Cardiomyopathies. Identifiers: Orphanet 167848, MedGen C0878544, MONDO:0004994, HP:0001638. Inheritance: Various modes of inheritance.

Allele frequency attached by ClinVar (database versions not stated): gnomAD exomes below 0.00001; ExAC 0.00001.
gnomAD v4.1: 2 of 1,612,290 alleles (0.00012%); highest among the groups gnomAD compares: South Asian, 0.0011%; no homozygotes.

Submission:

Color Diagnostics, LLC DBA Color Health
Classification: Uncertain significance for Cardiomyopathy. Last evaluated: 2024-03-06. Review status: criteria provided, single submitter. Criteria: ACMG Guidelines, 2015. Collection method: clinical testing. Allele origin: germline.
Comment: This missense variant replaces asparagine with aspartic acid at codon 3200 of the RYR2 protein. Computational prediction suggests that this variant may not impact protein structure and function (internally defined REVEL score threshold <= 0.5, PMID: 27666373). Splice site prediction tools suggest that this variant may not impact RNA splicing. To our knowledge, functional studies have not been performed for this variant. This variant has not been reported in individuals affected with cardiovascular disorders in the literature. This variant has been identified in 1/248762 chromosomes in the general population by the Genome Aggregation Database (gnomAD). The available evidence is insufficient to determine the role of this variant in disease conclusively. Therefore, this variant is classified as a Variant of Uncertain Significance.